The following is an entry in ClinVar:

NM_000214.3(JAG1):c.1720+5C>T

Gene: JAG1 (jagged canonical Notch ligand 1; minus strand). Cytogenetic location: 20p12.2.
Variant type: single nucleotide variant.
Coding change: c.1720+5C>T on transcript NM_000214.3 (MANE Select); 5 bases into the intron after coding-DNA position 1720, C replaced by T.
Molecular consequence: intron variant.
Genome position (GRCh38, 1-based): chr20:10,647,955, G>A on the plus strand (C>T on the coding strand, the complement: JAG1 is on the minus strand). VCF-style: chr20-10647955-G-A. GRCh37 (hg19) VCF-style: chr20-10628603-G-A.
Other names: c.1720+5C>T (LRG_1191t1).
Identifiers: ClinVar variation 255550 (VCV000255550.4), dbSNP rs757230587, ClinGen allele CA9764786.

ClinVar aggregate classification (germline): Conflicting classifications of pathogenicity. Review status: criteria provided, conflicting classifications (1 of 4 stars). 2 submissions from 2 submitters: Uncertain significance (1); Likely benign (1). Last evaluated 2026-01-28.

Conditions:
Alagille syndrome due to a JAG1 point mutation. Also called: Alagille Syndrome 1; JAG1-Related Alagille Syndrome; HEPATIC DUCTULAR HYPOPLASIA, SYNDROMATIC. Identifiers: Orphanet 261619, Orphanet 52, MedGen C1956125, MONDO:0016862, OMIM 118450.

Allele frequency attached by ClinVar (database versions not stated): ExAC 0.00002; TOPMed below 0.00001; gnomAD exomes 0.00002 and 0.00001.
gnomAD v4.1: 4 of 1,614,048 alleles (0.00025%); highest among the groups gnomAD compares: Admixed American, 0.0067%; no homozygotes.

Submissions (2):

Labcorp Genetics (formerly Invitae), Labcorp
Classification: Uncertain significance for Alagille syndrome due to a JAG1 point mutation. Last evaluated: 2026-01-28. Review status: criteria provided, single submitter. Criteria: Invitae Variant Classification Sherloc (09022015). Collection method: clinical testing. Allele origin: germline.
Comment: This sequence change falls in intron 13 of the JAG1 gene. It does not directly change the encoded amino acid sequence of the JAG1 protein. It affects a nucleotide within the consensus splice site. This variant is present in population databases (rs757230587, gnomAD 0.01%). This variant has not been reported in the literature in individuals affected with JAG1-related conditions. ClinVar contains an entry for this variant (Variation ID: 255550). Variants that disrupt the consensus splice site are a relatively common cause of aberrant splicing (PMID: 17576681, 9536098). Algorithms developed to predict the effect of sequence changes on RNA splicing suggest that this variant is not likely to affect RNA splicing. In summary, the available evidence is currently insufficient to determine the role of this variant in disease. Therefore, it has been classified as a Variant of Uncertain Significance.

PreventionGenetics, part of Exact Sciences
Classification: Likely benign. Review status: criteria provided, single submitter. Criteria: ACMG Guidelines, 2015. Collection method: clinical testing. Allele origin: germline.

Literature cited by the submitters: PubMed 17576681 (cited by Labcorp Genetics (formerly Invitae), Labcorp); PubMed 9536098 (cited by Labcorp Genetics (formerly Invitae), Labcorp).